The following is an entry in ClinVar:

ClinVar aggregate classification (germline): Uncertain significance (1 of 4 stars; one submission).

Submission:

Ambry Genetics
Classification: Uncertain significance. Last evaluated: 2025-10-13. Review status: criteria provided, single submitter. Criteria: Ambry Variant Classification Scheme 2023. Collection method: clinical testing. Allele origin: germline.
Comment: The p.G396R variant (also known as c.1186G>C), located in coding exon 6 of the PALLD gene, results from a G to C substitution at nucleotide position 1186. The glycine at codon 396 is replaced by arginine, an amino acid with dissimilar properties. This amino acid position is conserved. In addition, the in silico prediction for this alteration is inconclusive. Based on the available evidence, the clinical significance of this variant remains unclear.

NM_001166108.2(PALLD):c.2698G>C (p.Gly900Arg)

Genes: CBR4 (carbonyl reductase 4; minus strand), PALLD (palladin, cytoskeletal associated protein; plus strand). Cytogenetic location: 4q32.3.
Variant type: single nucleotide variant.
Coding change: c.2698G>C on transcript NM_001166108.2 (MANE Select); coding-DNA position 2698, G replaced by C.
Protein change: p.Gly900Arg; replaces glycine 900 with arginine.
Molecular consequence: missense variant.
Genome position (GRCh38, 1-based): chr4:168,914,002, G>C. VCF-style: chr4-168914002-G-C. GRCh37 (hg19) VCF-style: chr4-169835153-G-C.
Other names: c.1501G>C, p.Gly501Arg (NM_001166109.2); c.1186G>C, p.Gly396Arg (NM_001166110.2); c.526G>C, p.Gly176Arg (NM_001367567.1, NM_001367569.1); c.577G>C, p.Gly193Arg (NM_001367568.1, NM_001367570.1); c.2647G>C, p.Gly883Arg (NM_016081.4); short protein forms G396R, G883R, G900R, G176R, G193R, G501R.
Identifiers: ClinVar variation 4564161 (VCV004564161.1).